The following is an entry in ClinVar:

NM_000094.4(COL7A1):c.2052C>A (p.Asp684Glu)

Gene: COL7A1 (collagen type VII alpha 1 chain; minus strand). Cytogenetic location: 3p21.31.
Variant type: single nucleotide variant.
Coding change: c.2052C>A on transcript NM_000094.4 (MANE Select); coding-DNA position 2052, C replaced by A.
Protein change: p.Asp684Glu; replaces aspartic acid 684 with glutamic acid.
Molecular consequence: missense variant.
Genome position (GRCh38, 1-based): chr3:48,589,717, G>T on the plus strand (C>A on the coding strand, the complement: COL7A1 is on the minus strand). VCF-style: chr3-48589717-G-T. GRCh37 (hg19) VCF-style: chr3-48627150-G-T.
Other names: short protein forms D684E.
Identifiers: ClinVar variation 4086501 (VCV004086501.2).

ClinVar aggregate classification (germline): Uncertain significance (1 of 4 stars; one submission).

Submission:

GeneDx
Classification: Uncertain significance. Last evaluated: 2026-05-26. Review status: criteria provided, single submitter. Criteria: GeneDx Variant Classification Process June 2021. Collection method: clinical testing. Allele origin: germline.
Comment: Not observed at significant frequency in large population cohorts (gnomAD); In silico analysis suggests that this missense variant does not alter protein structure/function; Has not been previously published as pathogenic or benign to our knowledge